The following is an entry in ClinVar:

ClinVar aggregate classification (germline): Benign/Likely benign. Review status: criteria provided, multiple submitters, no conflicts (2 of 4 stars). 4 submissions from 4 submitters: Benign (3); Likely benign (1). Last evaluated 2025-07-09.

Conditions:
Cerebral arteriopathy, autosomal dominant, with subcortical infarcts and leukoencephalopathy, type 1 (CADASIL1). Also called: CADASIL 1; CASIL; DEMENTIA, HEREDITARY MULTIINFARCT TYPE; Cerebral arteriopathy with subcortical infarcts and leukoencephalopathy 1. Identifiers: Orphanet 136, MedGen C4551768, MONDO:0000914, OMIM 125310.

Allele frequency attached by ClinVar (database versions not stated): gnomAD exomes 0.00079; ExAC 0.00098; gnomAD 0.00334 and 0.00356; 1000 Genomes Project 0.00339; 1000 Genomes Project 30x 0.00344; TOPMed 0.00374; ESP Exome Variant Server 0.00446.
gnomAD v4.1: 956 of 1,611,654 alleles (0.059%); highest among the groups gnomAD compares: African/African-American, 1.2%; 6 homozygotes.

Submissions (4):

Athena Diagnostics
Classification: Benign. Last evaluated: 2025-07-09. Review status: criteria provided, single submitter. Criteria: Athena Diagnostics Criteria. Collection method: clinical testing. Allele origin: unknown.
Comment: The frequency of this variant in the general population is higher than would generally be expected for pathogenic variants in this gene. This nucleotide position exhibits low evolutionary conservation.

Mayo Clinic Laboratories, Mayo Clinic
Classification: Benign. Last evaluated: 2025-05-07. Review status: criteria provided, single submitter. Criteria: ACMG Guidelines, 2015. Collection method: clinical testing. Allele origin: germline. Observed: 14 variant alleles.
Comment: BS1, BS2, BP4

Blueprint Genetics
Classification: Likely benign. Last evaluated: 2024-11-25. Review status: criteria provided, single submitter. Criteria: ACMG Guidelines, 2015. Collection method: clinical testing. Allele origin: germline.

Illumina Laboratory Services, Illumina
Classification: Benign for Cerebral arteriopathy, autosomal dominant, with subcortical infarcts and leukoencephalopathy, type 1. Last evaluated: 2018-01-13. Review status: criteria provided, single submitter. Criteria: ICSL Variant Classification Criteria 13 December 2019. Collection method: clinical testing. Allele origin: germline.
Comment: This variant was observed in the ICSL laboratory as part of a predisposition screen in an ostensibly healthy population. It had not been previously curated by ICSL or reported in the Human Gene Mutation Database (HGMD: prior to June 1st, 2018), and was therefore a candidate for classification through an automated scoring system. Utilizing variant allele frequency, disease prevalence and penetrance estimates, and inheritance mode, an automated score was calculated to assess if this variant is too frequent to cause the disease. Based on the score and internal cut-off values, a variant classified as benign is not then subjected to further curation. The score for this variant resulted in a classification of benign for this disease.

NM_000435.3(NOTCH3):c.*4G>A

Gene: NOTCH3 (notch receptor 3; minus strand). Cytogenetic location: 19p13.12.
Variant type: single nucleotide variant.
Coding change: c.*4G>A on transcript NM_000435.3 (MANE Select); 4 bases downstream of the stop codon, G replaced by A.
Molecular consequence: 3 prime UTR variant.
Genome position (GRCh38, 1-based): chr19:15,160,658, C>T on the plus strand (G>A on the coding strand, the complement: NOTCH3 is on the minus strand). VCF-style: chr19-15160658-C-T. GRCh37 (hg19) VCF-style: chr19-15271469-C-T.
Identifiers: ClinVar variation 447772 (VCV000447772.8), dbSNP rs182111655, ClinGen allele CA9262261.